The following is an entry in ClinVar:

NM_182914.3(SYNE2):c.16761-10A>G

Gene: SYNE2 (spectrin repeat containing nuclear envelope protein 2; plus strand). Cytogenetic location: 14q23.2.
Variant type: single nucleotide variant.
Coding change: c.16761-10A>G on transcript NM_182914.3 (MANE Select); 10 bases into the intron before coding-DNA position 16761, A replaced by G.
Molecular consequence: intron variant.
Genome position (GRCh38, 1-based): chr14:64,167,485, A>G. VCF-style: chr14-64167485-A-G. GRCh37 (hg19) VCF-style: chr14-64634203-A-G.
Other names: c.16761-10A>G (NM_015180.6).
Identifiers: ClinVar variation 852046 (VCV000852046.1), dbSNP rs2098386877, ClinGen allele CA916083376.

ClinVar aggregate classification (germline): Uncertain significance (1 of 4 stars; one submission).

Conditions:
Emery-Dreifuss muscular dystrophy 5, autosomal dominant (EDMD5). Also called: EMERY-DREIFUSS MUSCULAR DYSTROPHY 5. Identifiers: Orphanet 261, MedGen C2751805, MONDO:0013072, OMIM 612999.

Submission:

Labcorp Genetics (formerly Invitae), Labcorp
Classification: Uncertain significance for Emery-Dreifuss muscular dystrophy 5, autosomal dominant. Last evaluated: 2019-12-16. Review status: criteria provided, single submitter. Criteria: Invitae Variant Classification Sherloc (09022015). Collection method: clinical testing. Allele origin: germline.
Comment: This sequence change falls in intron 91 of the SYNE2 gene. It does not directly change the encoded amino acid sequence of the SYNE2 protein. This variant is not present in population databases (ExAC no frequency). This variant has not been reported in the literature in individuals with SYNE2-related conditions. Algorithms developed to predict the effect of sequence changes on RNA splicing suggest that this variant may disrupt the consensus splice site, but this prediction has not been confirmed by published transcriptional studies. In summary, the available evidence is currently insufficient to determine the role of this variant in disease. Therefore, it has been classified as a Variant of Uncertain Significance.